The following is an entry in ClinVar:

NM_182916.3(TRNT1):c.900C>A (p.Phe300Leu)

Gene: TRNT1 (tRNA nucleotidyl transferase 1; plus strand). Cytogenetic location: 3p26.2.
Variant type: single nucleotide variant.
Coding change: c.900C>A on transcript NM_182916.3 (MANE Select); coding-DNA position 900, C replaced by A.
Protein change: p.Phe300Leu; replaces phenylalanine 300 with leucine.
Molecular consequence: missense variant. On other transcripts: non-coding transcript variant (8).
Genome position (GRCh38, 1-based): chr3:3,147,547, C>A. VCF-style: chr3-3147547-C-A. GRCh37 (hg19) VCF-style: chr3-3189231-C-A.
Other names: c.840C>A, p.Phe280Leu (NM_001302946.2); c.900C>A, p.Phe300Leu (NM_001367321.1, NM_001367322.1, NM_001367323.1); short protein forms F300L, F280L.
Identifiers: ClinVar variation 969591 (VCV000969591.9), dbSNP rs376431679, ClinGen allele CA2228824.

ClinVar aggregate classification (germline): Uncertain significance. Review status: criteria provided, multiple submitters, no conflicts (2 of 4 stars). 4 submissions from 4 submitters: Uncertain significance (4). Last evaluated 2025-07-31.

Conditions:
Inborn genetic diseases. Identifiers: MedGen C0950123, MeSH D030342.
Congenital sideroblastic anemia-B-cell immunodeficiency-periodic fever-developmental delay syndrome. Also called: Sideroblastic anemia with B-cell immunodeficiency, periodic fevers, and developmental delay. Identifiers: Orphanet 369861, MedGen C4015172, MONDO:0014487, OMIM 616084.
Retinitis pigmentosa and erythrocytic microcytosis (RPEM). Identifiers: MedGen C4310776, MONDO:0014850, OMIM 616959.

Allele frequency attached by ClinVar (database versions not stated): gnomAD 0.00003 and 0.00004; TOPMed 0.00003; ESP Exome Variant Server 0.00008.
gnomAD v4.1: 55 of 1,613,722 alleles (0.0034%); highest among the groups gnomAD compares: Admixed American, 0.005%; no homozygotes.

Submissions (4):

Ambry Genetics
Classification: Uncertain significance for Inborn genetic diseases. Last evaluated: 2025-07-31. Review status: criteria provided, single submitter. Criteria: Ambry Variant Classification Scheme 2023. Collection method: clinical testing. Allele origin: germline.

Labcorp Genetics (formerly Invitae), Labcorp
Classification: Uncertain significance for Congenital sideroblastic anemia-B-cell immunodeficiency-periodic fever-developmental delay syndrome. Last evaluated: 2025-01-13. Review status: criteria provided, single submitter. Criteria: Invitae Variant Classification Sherloc (09022015). Collection method: clinical testing. Allele origin: germline.
Comment: This sequence change replaces phenylalanine, which is neutral and non-polar, with leucine, which is neutral and non-polar, at codon 300 of the TRNT1 protein (p.Phe300Leu). This variant is present in population databases (rs376431679, gnomAD 0.009%). This variant has not been reported in the literature in individuals affected with TRNT1-related conditions. ClinVar contains an entry for this variant (Variation ID: 969591). Invitae Evidence Modeling of protein sequence and biophysical properties (such as structural, functional, and spatial information, amino acid conservation, physicochemical variation, residue mobility, and thermodynamic stability) indicates that this missense variant is not expected to disrupt TRNT1 protein function with a negative predictive value of 80%. In summary, the available evidence is currently insufficient to determine the role of this variant in disease. Therefore, it has been classified as a Variant of Uncertain Significance.

GeneDx
Classification: Uncertain significance. Last evaluated: 2022-09-01. Review status: criteria provided, single submitter. Criteria: GeneDx Variant Classification Process June 2021. Collection method: clinical testing. Allele origin: germline. Affected: yes.
Comment: Not observed at significant frequency in large population cohorts (gnomAD); In silico analysis supports that this missense variant does not alter protein structure/function; Has not been previously published as pathogenic or benign to our knowledge

Fulgent Genetics
Classification: Uncertain significance for Congenital sideroblastic anemia-B-cell immunodeficiency-periodic fever-developmental delay syndrome; Retinitis pigmentosa and erythrocytic microcytosis. Last evaluated: 2021-08-16. Review status: criteria provided, single submitter. Criteria: ACMG Guidelines, 2015. Collection method: clinical testing. Allele origin: unknown.